The following is an entry in ClinVar:

ClinVar aggregate classification (germline): Uncertain significance. Review status: criteria provided, multiple submitters, no conflicts (2 of 4 stars). 2 submissions from 2 submitters: Uncertain significance (2). Last evaluated 2025-02-13.

Conditions:
Inborn genetic diseases. Identifiers: MedGen C0950123, MeSH D030342.
KLHL24-related disorder. Also called: KLHL24-related condition.

gnomAD v4.1: 74 of 1,613,688 alleles (0.0046%); highest among the groups gnomAD compares: Non-Finnish European, 0.0058%; no homozygotes.

Submissions (2):

Ambry Genetics
Classification: Uncertain significance for Inborn genetic diseases. Last evaluated: 2025-02-13. Review status: criteria provided, single submitter. Criteria: Ambry Variant Classification Scheme 2023. Collection method: clinical testing. Allele origin: germline.

PreventionGenetics, part of Exact Sciences
Classification: Uncertain significance for KLHL24-related condition. Last evaluated: 2024-10-18. Review status: criteria provided, single submitter. Criteria: ACMG Guidelines, 2015. Collection method: clinical testing. Allele origin: germline.
Comment: The KLHL24 c.1735C>T variant is predicted to result in the amino acid substitution p.Pro579Ser. To our knowledge, this variant has not been reported in the literature. This variant is reported in 0.0047% of alleles in individuals of European (Non-Finnish) descent in gnomAD. At this time, the clinical significance of this variant is uncertain due to the absence of conclusive functional and genetic evidence.

NM_017644.3(KLHL24):c.1735C>T (p.Pro579Ser)

Gene: KLHL24 (kelch like family member 24; plus strand). Cytogenetic location: 3q27.1.
Variant type: single nucleotide variant.
Coding change: c.1735C>T on transcript NM_017644.3 (MANE Select); coding-DNA position 1735, C replaced by T.
Protein change: p.Pro579Ser; replaces proline 579 with serine.
Molecular consequence: missense variant. On other transcripts: non-coding transcript variant (2).
Genome position (GRCh38, 1-based): chr3:183,679,218, C>T. VCF-style: chr3-183679218-C-T. GRCh37 (hg19) VCF-style: chr3-183397006-C-T.
Other names: c.1810C>T, p.Pro604Ser (NM_001349413.1, NM_001349414.1, NM_001349415.1 and 3 more transcripts); c.1735C>T, p.Pro579Ser (NM_001349419.1, NM_001349420.1, NM_001349421.1 and 5 more transcripts); c.892C>T, p.Pro298Ser (NM_001349428.1, NM_001349429.1); short protein forms P579S, P604S, P298S.
Identifiers: ClinVar variation 3864835 (VCV003864835.2).